The following is an entry in ClinVar:

ClinVar aggregate classification (germline): Uncertain significance (1 of 4 stars; one submission).

Conditions:
Fanconi anemia (FA). Also called: Fanconi's anemia. Identifiers: Orphanet 84, MedGen C0015625, MeSH D005199, MONDO:0019391.

Allele frequency attached by ClinVar (database versions not stated): gnomAD exomes below 0.00001.
gnomAD v4.1: 1 of 1,613,572 alleles (0.000062%); no homozygotes.

Submission:

Labcorp Genetics (formerly Invitae), Labcorp
Classification: Uncertain significance for Fanconi anemia. Last evaluated: 2023-09-05. Review status: criteria provided, single submitter. Criteria: Invitae Variant Classification Sherloc (09022015). Collection method: clinical testing. Allele origin: germline.
Comment: An algorithm developed to predict the effect of missense changes on protein structure and function (PolyPhen-2) suggests that this variant is likely to be disruptive. In summary, the available evidence is currently insufficient to determine the role of this variant in disease. Therefore, it has been classified as a Variant of Uncertain Significance. Variants that disrupt the consensus splice site are a relatively common cause of aberrant splicing (PMID: 17576681, 9536098). Algorithms developed to predict the effect of sequence changes on RNA splicing suggest that this variant may disrupt the consensus splice site. This variant has not been reported in the literature in individuals affected with FANCC-related conditions. This variant is present in population databases (no rsID available, gnomAD 0.004%). This sequence change replaces glycine, which is neutral and non-polar, with glutamic acid, which is acidic and polar, at codon 385 of the FANCC protein (p.Gly385Glu). This variant also falls at the last nucleotide of exon 12, which is part of the consensus splice site for this exon.

Literature cited by the submitters: PubMed 17576681; PubMed 9536098.

NM_000136.3(FANCC):c.1154G>A (p.Gly385Glu)

Genes: AOPEP (aminopeptidase O (putative); plus strand), FANCC (FA complementation group C; minus strand). Cytogenetic location: 9q22.32.
Variant type: single nucleotide variant.
Coding change: c.1154G>A on transcript NM_000136.3 (MANE Select); coding-DNA position 1154, G replaced by A.
Protein change: p.Gly385Glu; replaces glycine 385 with glutamic acid.
Molecular consequence: missense variant.
Genome position (GRCh38, 1-based): chr9:95,114,629, C>T on the plus strand (G>A on the coding strand, the complement: FANCC is on the minus strand). VCF-style: chr9-95114629-C-T. GRCh37 (hg19) VCF-style: chr9-97876911-C-T.
Other names: c.1154G>A, p.Gly385Glu (NM_001243743.2, NM_001243744.2); short protein forms G385E.
Identifiers: ClinVar variation 3009822 (VCV003009822.3), dbSNP rs1450888728, ClinGen allele CA374107902.